The following is an entry in ClinVar:

ClinVar aggregate classification (germline): Uncertain significance (1 of 4 stars; one submission).

Submission:

Ambry Genetics
Classification: Uncertain significance. Last evaluated: 2023-01-20. Review status: criteria provided, single submitter. Criteria: Ambry Variant Classification Scheme 2023. Collection method: clinical testing. Allele origin: germline.
Comment: The p.P352L variant (also known as c.1055C>T), located in coding exon 6 of the PKP4 gene, results from a C to T substitution at nucleotide position 1055. The proline at codon 352 is replaced by leucine, an amino acid with similar properties. This amino acid position is conserved. In addition, this alteration is predicted to be tolerated by in silico analysis. Since supporting evidence is limited at this time, the clinical significance of this alteration remains unclear.

NM_003628.6(PKP4):c.1055C>T (p.Pro352Leu)

Gene: PKP4 (plakophilin 4; plus strand). Cytogenetic location: 2q24.1.
Variant type: single nucleotide variant.
Coding change: c.1055C>T on transcript NM_003628.6 (MANE Select); coding-DNA position 1055, C replaced by T.
Protein change: p.Pro352Leu; replaces proline 352 with leucine.
Molecular consequence: missense variant.
Genome position (GRCh38, 1-based): chr2:158,625,329, C>T. VCF-style: chr2-158625329-C-T. GRCh37 (hg19) VCF-style: chr2-159481841-C-T.
Other names: c.1055C>T, p.Pro352Leu (NM_001005476.4, NM_001304969.3, NM_001304971.2 and 6 more transcripts); c.29C>T, p.Pro10Leu (NM_001304970.3); c.1049C>T, p.Pro350Leu (NM_001377222.1, NM_001377223.1, NM_001377224.1); short protein forms P10L, P352L, P350L.
Identifiers: ClinVar variation 2448028 (VCV002448028.2), dbSNP rs2529605526, ClinGen allele CA348906900.